The following is an entry in ClinVar:

NM_015512.5(DNAH1):c.485C>T (p.Ala162Val)

Gene: DNAH1 (dynein axonemal heavy chain 1; plus strand). Cytogenetic location: 3p21.1.
Variant type: single nucleotide variant.
Coding change: c.485C>T on transcript NM_015512.5 (MANE Select); coding-DNA position 485, C replaced by T.
Protein change: p.Ala162Val; replaces alanine 162 with valine.
Molecular consequence: missense variant.
Genome position (GRCh38, 1-based): chr3:52,326,218, C>T. VCF-style: chr3-52326218-C-T. GRCh37 (hg19) VCF-style: chr3-52360234-C-T.
Other names: short protein forms A162V.
Identifiers: ClinVar variation 958350 (VCV000958350.9), dbSNP rs993782683, ClinGen allele CA74753079.
Genomic context (GRCh38, chr3:52,326,218, plus strand): 5'-CTGAAGACTTCCAGGAGCGCATGGAGCAGCAGTGCATCGGGTCCACCACCCGGCTGCTCG[C>T]CCAGACTGACTTCCCACTGCAGGCCTACGAGCCCAAGATGCAGGTGCCTTTCCAGGTGCT-3'
Protein context (NP_056327.4, residues 152-172): QCIGSTTRLL[Ala162Val]QTDFPLQAYE

ClinVar aggregate classification (germline): Uncertain significance. Review status: criteria provided, multiple submitters, no conflicts (2 of 4 stars). 2 submissions from 2 submitters: Uncertain significance (2). Last evaluated 2025-11-07.

Conditions:
Spermatogenic failure 18. Identifiers: MedGen C4539783, MONDO:0054615, OMIM 617576.
Ciliary dyskinesia, primary, 37 (CILD37). Also called: CILIARY DYSKINESIA, PRIMARY, 37, WITH OR WITHOUT SITUS INVERSUS. Identifiers: MedGen C4539798, MONDO:0033204, OMIM 617577.

Allele frequency attached by ClinVar (database versions not stated): TOPMed 0.00001; gnomAD 0.00003.
gnomAD v4.1: 22 of 1,613,054 alleles (0.0014%); highest among the groups gnomAD compares: South Asian, 0.0055%; no homozygotes.

Submissions (2):

Ambry Genetics
Classification: Uncertain significance. Last evaluated: 2025-11-07. Review status: criteria provided, single submitter. Criteria: Ambry Variant Classification Scheme 2023. Collection method: clinical testing. Allele origin: germline.

Labcorp Genetics (formerly Invitae), Labcorp
Classification: Uncertain significance for Ciliary dyskinesia, primary, 37; Spermatogenic failure 18. Last evaluated: 2023-07-19. Review status: criteria provided, single submitter. Criteria: Invitae Variant Classification Sherloc (09022015). Collection method: clinical testing. Allele origin: germline.
Comment: This sequence change replaces alanine, which is neutral and non-polar, with valine, which is neutral and non-polar, at codon 162 of the DNAH1 protein (p.Ala162Val). This variant is present in population databases (no rsID available, gnomAD 0.004%). This variant has not been reported in the literature in individuals affected with DNAH1-related conditions. ClinVar contains an entry for this variant (Variation ID: 958350). Algorithms developed to predict the effect of missense changes on protein structure and function output the following: SIFT: "Not Available"; PolyPhen-2: "Benign"; Align-GVGD: "Not Available". The valine amino acid residue is found in multiple mammalian species, which suggests that this missense change does not adversely affect protein function. In summary, the available evidence is currently insufficient to determine the role of this variant in disease. Therefore, it has been classified as a Variant of Uncertain Significance.